The following is an entry in ClinVar:

NM_002294.3(LAMP2):c.86T>C (p.Leu29Ser)

Gene: LAMP2 (lysosome associated membrane protein 2; minus strand). Cytogenetic location: Xq24.
Variant type: single nucleotide variant.
Coding change: c.86T>C on transcript NM_002294.3 (MANE Select); coding-DNA position 86, T replaced by C.
Protein change: p.Leu29Ser; replaces leucine 29 with serine.
Molecular consequence: missense variant.
Genome position (GRCh38, 1-based): chrX:120,456,748, A>G on the plus strand (T>C on the coding strand, the complement: LAMP2 is on the minus strand). VCF-style: chrX-120456748-A-G. GRCh37 (hg19) VCF-style: chrX-119590603-A-G.
Other names: c.86T>C, p.Leu29Ser (NM_001122606.1, NM_013995.2); short protein forms L29S.
Identifiers: ClinVar variation 2063776 (VCV002063776.4), dbSNP rs2520913509, ClinGen allele CA414403776.

ClinVar aggregate classification (germline): Uncertain significance (1 of 4 stars; one submission).

Conditions:
Danon disease. Also called: PSEUDOGLYCOGENOSIS II; GSD IIb; LYSOSOMAL GLYCOGEN STORAGE DISEASE WITHOUT ACID MALTASE DEFICIENCY; ANTOPOL DISEASE; Glycogen Storage Disease Type IIb. Identifiers: Orphanet 34587, MedGen C0878677, MONDO:0010281, OMIM 300257.

Submission:

Labcorp Genetics (formerly Invitae), Labcorp
Classification: Uncertain significance for Danon disease. Last evaluated: 2022-08-06. Review status: criteria provided, single submitter. Criteria: Invitae Variant Classification Sherloc (09022015). Collection method: clinical testing. Allele origin: germline.
Comment: This sequence change replaces leucine, which is neutral and non-polar, with serine, which is neutral and polar, at codon 29 of the LAMP2 protein (p.Leu29Ser). This variant is not present in population databases (gnomAD no frequency). This variant has not been reported in the literature in individuals affected with LAMP2-related conditions. Algorithms developed to predict the effect of missense changes on protein structure and function are either unavailable or do not agree on the potential impact of this missense change (SIFT: "Tolerated"; PolyPhen-2: "Possibly Damaging"; Align-GVGD: "Class C0"). In summary, the available evidence is currently insufficient to determine the role of this variant in disease. Therefore, it has been classified as a Variant of Uncertain Significance.